The following is an entry in ClinVar:

ClinVar aggregate classification (germline): Pathogenic. Review status: criteria provided, multiple submitters, no conflicts (2 of 4 stars). 2 submissions from 2 submitters: Pathogenic (2). Last evaluated 2025-06-01.

Conditions:
Mitochondrial trifunctional protein deficiency. Identifiers: Orphanet 746, MedGen C1969443, MONDO:0012172.

Allele frequency attached by ClinVar (database versions not stated): gnomAD exomes below 0.00001 and 0.00003; ExAC 0.00003; TOPMed 0.00004; gnomAD 0.00009 and 0.00010.

Submissions (2):

Labcorp Genetics (formerly Invitae), Labcorp
Classification: Pathogenic for Mitochondrial trifunctional protein deficiency. Last evaluated: 2025-06-01. Review status: criteria provided, single submitter. Criteria: Invitae Variant Classification Sherloc (09022015). Collection method: clinical testing. Allele origin: germline.
Comment: This sequence change affects the initiator codon of the HADHB mRNA. This change may impact translation initiation or efficiency. The next in-frame methionine is located at codon 75. This variant is present in population databases (rs763333945, gnomAD 0.03%). This variant has not been reported in the literature in individuals affected with HADHB-related conditions. ClinVar contains an entry for this variant (Variation ID: 418241). This variant disrupts a region of the HADHB protein in which other variant(s) (p.Arg61His) have been determined to be pathogenic (PMID: 8651282, 12754706, 16423905). This suggests that this is a clinically significant region of the protein, and that variants that disrupt it are likely to be disease-causing. For these reasons, this variant has been classified as Pathogenic.

GeneDx
Classification: Pathogenic. Last evaluated: 2017-02-21. Review status: criteria provided, single submitter. Criteria: GeneDx Variant Classification (06012015). Collection method: clinical testing. Allele origin: germline. Affected: yes.
Comment: The c.1 A>G pathogenic variant in the HADHB alters the initiator Methionine codon, and the resultant protein would be described as p.Met1? using a question mark to signify that it is not known if the loss of Met1 means that all protein translation is completely prevented or if an abnormal protein is produced using an alternate Met. The c.1 A>G variant is not observed in large population cohorts (Lek et al., 2016; 1000 Genomes Consortium et al., 2015; Exome Variant Server). Although this variant has not been previously reported to our knowledge, it is interpretted to be a pathogenic variant."

Literature cited by the submitters: PubMed 8651282 (cited by Labcorp Genetics (formerly Invitae), Labcorp); PubMed 12754706 (cited by Labcorp Genetics (formerly Invitae), Labcorp); PubMed 16423905 (cited by Labcorp Genetics (formerly Invitae), Labcorp).

NM_000183.3(HADHB):c.1A>G (p.Met1Val)

Gene: HADHB (hydroxyacyl-CoA dehydrogenase trifunctional multienzyme complex subunit beta; plus strand). Cytogenetic location: 2p23.3.
Variant type: single nucleotide variant.
Coding change: c.1A>G on transcript NM_000183.3 (MANE Select); coding-DNA position 1, A replaced by G.
Protein change: p.Met1Val; changes the start codon (methionine 1).
Molecular consequence: missense variant, initiator codon variant. On other transcripts: 5 prime UTR variant (1).
Genome position (GRCh38, 1-based): chr2:26,254,255, A>G. VCF-style: chr2-26254255-A-G. GRCh37 (hg19) VCF-style: chr2-26477123-A-G.
Other names: c.1A>G, p.Met1Val (NM_001281512.2); c.-149A>G (NM_001281513.2); short protein forms M1V.
Identifiers: ClinVar variation 418241 (VCV000418241.6), dbSNP rs763333945, ClinGen allele CA1560046.